The following is an entry in ClinVar:

NM_001099274.3(TINF2):c.217G>C (p.Gly73Arg)

Gene: TINF2 (TERF1 interacting nuclear factor 2; minus strand). Cytogenetic location: 14q12.
Variant type: single nucleotide variant.
Coding change: c.217G>C on transcript NM_001099274.3 (MANE Select); coding-DNA position 217, G replaced by C.
Protein change: p.Gly73Arg; replaces glycine 73 with arginine.
Molecular consequence: missense variant. On other transcripts: intron variant (1).
Genome position (GRCh38, 1-based): chr14:24,241,970, C>G on the plus strand (G>C on the coding strand, the complement: TINF2 is on the minus strand). VCF-style: chr14-24241970-C-G. GRCh37 (hg19) VCF-style: chr14-24711176-C-G.
Other names: c.217G>C, p.Gly73Arg (NM_012461.3); c.192+171G>C (NM_001363668.2); short protein forms G73R.
Identifiers: ClinVar variation 848120 (VCV000848120.9), dbSNP rs2040590786, ClinGen allele CA389234348.

ClinVar aggregate classification (germline): Uncertain significance (1 of 4 stars; one submission).

Conditions:
Dyskeratosis congenita. Identifiers: Orphanet 1775, MedGen C0265965, MONDO:0015780.

Submission:

Labcorp Genetics (formerly Invitae), Labcorp
Classification: Uncertain significance for Dyskeratosis congenita. Last evaluated: 2022-05-27. Review status: criteria provided, single submitter. Criteria: Invitae Variant Classification Sherloc (09022015). Collection method: clinical testing. Allele origin: germline.
Comment: ClinVar contains an entry for this variant (Variation ID: 848120). In summary, the available evidence is currently insufficient to determine the role of this variant in disease. Therefore, it has been classified as a Variant of Uncertain Significance. Algorithms developed to predict the effect of missense changes on protein structure and function are either unavailable or do not agree on the potential impact of this missense change (SIFT: "Tolerated"; PolyPhen-2: "Probably Damaging"; Align-GVGD: "Class C0"). This variant has not been reported in the literature in individuals affected with TINF2-related conditions. This variant is not present in population databases (gnomAD no frequency). This sequence change replaces glycine, which is neutral and non-polar, with arginine, which is basic and polar, at codon 73 of the TINF2 protein (p.Gly73Arg).